The following is an entry in ClinVar:

NM_182914.3(SYNE2):c.19135C>T (p.Arg6379Cys)

Gene: SYNE2 (spectrin repeat containing nuclear envelope protein 2; plus strand). Cytogenetic location: 14q23.2.
Variant type: single nucleotide variant.
Coding change: c.19135C>T on transcript NM_182914.3 (MANE Select); coding-DNA position 19135, C replaced by T.
Protein change: p.Arg6379Cys; replaces arginine 6379 with cysteine.
Molecular consequence: missense variant.
Genome position (GRCh38, 1-based): chr14:64,214,272, C>T. VCF-style: chr14-64214272-C-T. GRCh37 (hg19) VCF-style: chr14-64680990-C-T.
Other names: c.19135C>T, p.Arg6379Cys (NM_015180.6); c.37C>T, p.Arg13Cys (NM_182913.4); short protein forms R6379C, R13C.
Identifiers: ClinVar variation 193779 (VCV000193779.53), dbSNP rs141741640, ClinGen allele CA239424.

ClinVar aggregate classification (germline): Conflicting classifications of pathogenicity. Review status: criteria provided, conflicting classifications (1 of 4 stars). 10 submissions from 10 submitters: Uncertain significance (1); Benign (1); Likely benign (7). 1 of the submissions does not count toward it. Last evaluated 2026-01-17.

Conditions:
SYNE2-related disorder. Also called: SYNE2-related condition.
Emery-Dreifuss muscular dystrophy 5, autosomal dominant (EDMD5). Also called: EMERY-DREIFUSS MUSCULAR DYSTROPHY 5. Identifiers: Orphanet 261, MedGen C2751805, MONDO:0013072, OMIM 612999.

Allele frequency attached by ClinVar (database versions not stated): 1000 Genomes Project 30x 0.00031; 1000 Genomes Project 0.00040; TOPMed 0.00127; ExAC 0.00128; gnomAD exomes 0.00132 and 0.00192; gnomAD 0.00133 and 0.00138; ESP Exome Variant Server 0.00223.
gnomAD v4.1: 2,942 of 1,613,902 alleles (0.18%); highest among the groups gnomAD compares: Non-Finnish European, 0.23%; 5 homozygotes.

Submissions (10):

Labcorp Genetics (formerly Invitae), Labcorp
Classification: Likely benign for Emery-Dreifuss muscular dystrophy 5, autosomal dominant. Last evaluated: 2026-01-17. Review status: criteria provided, single submitter. Criteria: Invitae Variant Classification Sherloc (09022015). Collection method: clinical testing. Allele origin: germline.

CeGaT Center for Human Genetics Tuebingen
Classification: Likely benign. Last evaluated: 2024-11-01. Review status: criteria provided, single submitter. Criteria: CeGaT Center For Human Genetics Tuebingen Variant Classification Criteria Version 2. Collection method: clinical testing. Allele origin: germline. Affected: yes. Observed: 2 variant alleles.
Comment: SYNE2: BP4, BS2

Blueprint Genetics
Classification: Likely benign. Last evaluated: 2024-10-21. Review status: criteria provided, single submitter. Criteria: ACMG Guidelines, 2015. Collection method: clinical testing. Allele origin: germline.

Athena Diagnostics
Classification: Likely benign. Last evaluated: 2024-04-15. Review status: criteria provided, single submitter. Criteria: Athena Diagnostics Criteria. Collection method: clinical testing. Allele origin: unknown.

Ambry Genetics
Classification: Uncertain significance. Last evaluated: 2023-04-18. Review status: criteria provided, single submitter. Criteria: Ambry Variant Classification Scheme 2023. Collection method: clinical testing. Allele origin: germline.

Fulgent Genetics
Classification: Likely benign for Emery-Dreifuss muscular dystrophy 5, autosomal dominant. Last evaluated: 2021-10-05. Review status: criteria provided, single submitter. Criteria: ACMG Guidelines, 2015. Collection method: clinical testing. Allele origin: unknown.

Illumina Laboratory Services, Illumina
Classification: Benign for Emery-Dreifuss muscular dystrophy 5, autosomal dominant. Last evaluated: 2018-01-13. Review status: criteria provided, single submitter. Criteria: ICSL Variant Classification Criteria 13 December 2019. Collection method: clinical testing. Allele origin: germline.
Comment: This variant was observed in the ICSL laboratory as part of a predisposition screen in an ostensibly healthy population. It had not been previously curated by ICSL or reported in the Human Gene Mutation Database (HGMD: prior to June 1st, 2018), and was therefore a candidate for classification through an automated scoring system. Utilizing variant allele frequency, disease prevalence and penetrance estimates, and inheritance mode, an automated score was calculated to assess if this variant is too frequent to cause the disease. Based on the score and internal cut-off values, a variant classified as benign is not then subjected to further curation. The score for this variant resulted in a classification of benign for this disease.

Eurofins Ntd Llc (ga)
Classification: Likely benign. Last evaluated: 2015-08-25. Review status: criteria provided, single submitter. Criteria: EGL Classification Definitions 2015. Collection method: clinical testing. Allele origin: germline. Observed: 4 variant alleles, 4 heterozygotes.

Breakthrough Genomics
Classification: Likely benign. Review status: criteria provided, single submitter. Criteria: ACMG Guidelines, 2015. Collection method: not provided. Allele origin: germline. Inheritance: Autosomal dominant inheritance. Affected: yes.

PreventionGenetics, part of Exact Sciences
Classification: Likely benign for SYNE2-related condition. Last evaluated: 2020-01-07. Review status: no assertion criteria provided. Collection method: clinical testing. Allele origin: germline. Not counted in ClinVar's aggregate classification.
Comment: This variant is classified as likely benign based on ACMG/AMP sequence variant interpretation guidelines (Richards et al. 2015 PMID: 25741868, with internal and published modifications).

Literature cited by the submitters: PubMed 37667433 (cited by Athena Diagnostics); PubMed 37012247 (cited by Athena Diagnostics).